The following is an entry in ClinVar:

ClinVar aggregate classification (germline): other (0 of 4 stars; one submission).

Conditions:
Familial colorectal cancer. Identifiers: MedGen CN280943, MONDO:0023113. Disease mechanism: loss of function.

Submission:

Systems Biology Platform Zhejiang California International NanoSystems Institute
Classification: other for Familial colorectal cancer. Review status: no assertion criteria provided. Collection method: not provided. Allele origin: unknown.
ClinVar note: Converted during submission from cancer to other.

NM_000038.6(APC):c.834+5290G>C

Gene: APC (APC regulator of WNT signaling pathway; plus strand). Cytogenetic location: 5q22.2.
Variant type: single nucleotide variant.
Coding change: c.834+5290G>C on transcript NM_000038.6 (MANE Select); 5290 bases into the intron after coding-DNA position 834, G replaced by C.
Molecular consequence: intron variant.
Genome position (GRCh38, 1-based): chr5:112,806,673, G>C. VCF-style: chr5-112806673-G-C. GRCh37 (hg19) VCF-style: chr5-112142370-G-C.
Other names: c.834+5290G>C (NM_001354895.2, NM_001127510.3, NM_001354896.2 and 1 more transcripts); c.864+5290G>C (NM_001354897.2, NM_001354902.2); c.780+5290G>C (NM_001127511.3); c.759+5290G>C (NM_001354898.2, NM_001354904.2); c.-201-3453G>C (NM_001354906.2); c.750+5290G>C (NM_001354899.2); c.657+5290G>C (NM_001354900.2, NM_001354901.2, NM_001354905.2).
Identifiers: ClinVar variation 82527 (VCV000082527.2), dbSNP rs78296133, ClinGen allele CA014886.